The following is an entry in ClinVar:

ClinVar aggregate classification (germline): Likely pathogenic (3 of 4 stars; one submission).

Conditions:
Creatine transporter deficiency (CCDS1). Also called: Mental retardation , X-linked with seizures, short stature and midface hypoplasia; Mental retardation , X-linked, with creatine transport deficiency; X-linked creatine transporter deficiency; X-linked creatine deficiency syndrome; SLC6A8-Related Creatine Transporter Deficiency; CREATINE TRANSPORTER DEFECT. Identifiers: Orphanet 52503, MedGen C1845862, MONDO:0010305, OMIM 300352.

Submission:

ClinGen Cerebral Creatine Deficiency Syndromes Variant Curation Expert Panel, ClinGen
Classification: Likely pathogenic for Creatine transporter deficiency. Last evaluated: 2023-01-12. Review status: reviewed by expert panel. Criteria: ClinGen_CCDS_ACMG_Specifications_SLC6A8_v1.1. Collection method: curation. Allele origin: germline. Inheritance: X-linked inheritance.
Comment: The NM_005629.4:c.912G>A variant in SLC6A8 is a synonymous variant (p.Gln304=) that alters the last nucleotide of exon 5. A subsequent publication, presumably on the same patient (PMID: 29478817), indicates deficient creatine uptake in fibroblasts (PP4_Strong). One publication states that a patient with this variant has a "splicing error" resulting in p.Ile260_Gln304del ( PMID: 29478817). No details are provided regarding how this was determined and, therefore, this evidence was not applied. The computational splicing predictor SpliceAI gives a score of 0.54 for donor loss, and varSEAK predicts a "likely splicing effect" (Class 4) with "Likely loss of function for authentic Splice Site" predicting that the variant may disrupt the donor splice site of intron 5 of SLC6A8 (PP3). The variant is not in gnomAD v2.1.1 (PM2_Supporting). In summary, this variant meets the criteria to be classified as likely pathogenic for X-linked creatine transporter deficiency. SLC6A8-specific ACMG/AMP criteria applied, as specified by the ClinGen CCDS VCEP (Specifications Version 1.1.0): PP4_Strong, PP3, PM2_Supporting. (Classification approved by the ClinGen CCDS VCEP on January 12, 2023).

NM_005629.4(SLC6A8):c.912G>A (p.Gln304=)

Gene: SLC6A8 (solute carrier family 6 member 8; plus strand). Cytogenetic location: Xq28.
Variant type: single nucleotide variant.
Coding change: c.912G>A on transcript NM_005629.4 (MANE Select); coding-DNA position 912, G replaced by A.
Protein change: p.Gln304=; no amino-acid change (glutamine 304 retained).
Molecular consequence: synonymous variant.
Genome position (GRCh38, 1-based): chrX:153,693,175, G>A. VCF-style: chrX-153693175-G-A. GRCh37 (hg19) VCF-style: chrX-152958630-G-A.
Other names: NM_001142805.2:c.912G>A; c.912G>A, p.Gln304= (NM_001142805.2); c.567G>A, p.Gln189= (NM_001142806.1).
Identifiers: ClinVar variation 2446449 (VCV002446449.1), dbSNP rs1064794836, ClinGen allele CA415084325.